The following is an entry in ClinVar:

NM_001111125.3(IQSEC2):c.4052C>T (p.Pro1351Leu)

Gene: IQSEC2 (IQ motif and Sec7 domain ArfGEF 2; minus strand). Cytogenetic location: Xp11.22.
Variant type: single nucleotide variant.
Coding change: c.4052C>T on transcript NM_001111125.3 (MANE Select); coding-DNA position 4052, C replaced by T.
Protein change: p.Pro1351Leu; replaces proline 1351 with leucine.
Molecular consequence: missense variant. On other transcripts: 3 prime UTR variant (2).
Genome position (GRCh38, 1-based): chrX:53,234,634, G>A on the plus strand (C>T on the coding strand, the complement: IQSEC2 is on the minus strand). VCF-style: chrX-53234634-G-A. GRCh37 (hg19) VCF-style: chrX-53263816-G-A.
Other names: c.4052C>T (NM_001111125.2); c.*537C>T (NM_001410736.1, NM_015075.2); short protein forms P1351L.
Identifiers: ClinVar variation 3668467 (VCV003668467.3).

ClinVar aggregate classification (germline): Uncertain significance. Review status: criteria provided, multiple submitters, no conflicts (2 of 4 stars). 2 submissions from 2 submitters: Uncertain significance (2). Last evaluated 2025-06-04.

Conditions:
Inborn genetic diseases. Identifiers: MedGen C0950123, MeSH D030342.
Intellectual developmental disorder, X-linked 1. Also called: Atkin Flaitz Patil Smith syndrome; MENTAL RETARDATION, X-LINKED 18; MENTAL RETARDATION, X-LINKED 78; Intellectual disability, X-linked 1. Identifiers: Orphanet 777, MedGen C2931498, MONDO:0010656, OMIM 309530.

gnomAD v4.1: 4 of 1,135,492 alleles (0.00035%); highest among the groups gnomAD compares: South Asian, 0.0064%; no homozygotes.

Submissions (2):

Ambry Genetics
Classification: Uncertain significance for Inborn genetic diseases. Last evaluated: 2025-06-04. Review status: criteria provided, single submitter. Criteria: Ambry Variant Classification Scheme 2023. Collection method: clinical testing. Allele origin: germline.

Labcorp Genetics (formerly Invitae), Labcorp
Classification: Uncertain significance for Intellectual developmental disorder, X-linked 1. Last evaluated: 2024-05-28. Review status: criteria provided, single submitter. Criteria: Invitae Variant Classification Sherloc (09022015). Collection method: clinical testing. Allele origin: germline.
Comment: This sequence change replaces proline, which is neutral and non-polar, with leucine, which is neutral and non-polar, at codon 1351 of the IQSEC2 protein (p.Pro1351Leu). This variant is not present in population databases (gnomAD no frequency). This variant has not been reported in the literature in individuals affected with IQSEC2-related conditions. Advanced modeling of protein sequence and biophysical properties (such as structural, functional, and spatial information, amino acid conservation, physicochemical variation, residue mobility, and thermodynamic stability) performed at Invitae indicates that this missense variant is not expected to disrupt IQSEC2 protein function with a negative predictive value of 95%. In summary, the available evidence is currently insufficient to determine the role of this variant in disease. Therefore, it has been classified as a Variant of Uncertain Significance.